The following is an entry in ClinVar:

ClinVar aggregate classification (germline): Likely pathogenic (1 of 4 stars; one submission).

Conditions:
Nemaline myopathy 2 (NEM2). Also called: Nemaline myopathy 2, autosomal recessive. Identifiers: MedGen C1850569, MONDO:0009725, OMIM 256030.

Submission:

Natera, Inc.
Classification: Likely pathogenic for Nemaline myopathy type 2. Last evaluated: 2025-07-24. Review status: criteria provided, single submitter. Criteria: Natera Variant Classification Schema (03/2026). Collection method: clinical testing. Allele origin: germline.
Comment: The c.13463_13464insCG variant in NEB is a frameshift variant predicted to shift the reading frame beginning at codon 4489 and leads to a stop codon 38 codons downstream. This variant is expected to result in nonsense mediated decay, truncation, or a dysfunctional protein product. This variant is rare in the general population with a frequency below the threshold expected for the associated phenotype(s). Given the available evidence, this variant is classified as Likely Pathogenic.

NM_001164508.2(NEB):c.13463_13464insCG (p.Ile4489fs)

Gene: NEB (nebulin; minus strand). Cytogenetic location: 2q23.3.
Variant type: Insertion.
Coding change: c.13463_13464insCG on transcript NM_001164508.2 (MANE Select); coding-DNA positions 13463 to 13464, CG inserted.
Protein change: p.Ile4489fs; shifts the reading frame from isoleucine 4489.
Molecular consequence: frameshift variant. On other transcripts: intron variant (1).
Genome position: GRCh38 VCF-style: chr2-151601913-A-ACG. GRCh37 (hg19) VCF-style: chr2-152458427-A-ACG.
Other names: c.13463_13464insCG, p.Ile4489fs (NM_001164507.2, NM_001271208.2); c.11601+7895_11601+7896insCG (NM_004543.5); short protein forms I4489fs.
Identifiers: ClinVar variation 4814724 (VCV004814724.1).